The following is an entry in ClinVar:

ClinVar aggregate classification (germline): Uncertain significance (1 of 4 stars; one submission).

Conditions:
Microcephaly, normal intelligence and immunodeficiency (NBS). Also called: BERLIN BREAKAGE SYNDROME; Immunodeficiency, microcephaly with normal intelligence; Ataxia telangiectasia variant V1; Nijmegen breakage syndrome; Microcephaly with normal intelligence immunodeficiency and lymphoreticular malignancies; Nonsyndromal microcephaly autosomal recessive with normal intelligence. Identifiers: Orphanet 647, MedGen C0398791, MONDO:0009623, OMIM 251260.

Submission:

Labcorp Genetics (formerly Invitae), Labcorp
Classification: Uncertain significance for Microcephaly, normal intelligence and immunodeficiency. Last evaluated: 2022-06-08. Review status: criteria provided, single submitter. Criteria: Invitae Variant Classification Sherloc (09022015). Collection method: clinical testing. Allele origin: germline.
Comment: In summary, the available evidence is currently insufficient to determine the role of this variant in disease. Therefore, it has been classified as a Variant of Uncertain Significance. Algorithms developed to predict the effect of missense changes on protein structure and function are either unavailable or do not agree on the potential impact of this missense change (SIFT: "Tolerated"; PolyPhen-2: "Possibly Damaging"; Align-GVGD: "Class C0"). This variant has not been reported in the literature in individuals affected with NBN-related conditions. This variant is not present in population databases (gnomAD no frequency). This sequence change replaces glutamic acid, which is acidic and polar, with lysine, which is basic and polar, at codon 370 of the NBN protein (p.Glu370Lys).

NM_002485.5(NBN):c.1108G>A (p.Glu370Lys)

Gene: NBN (nibrin; minus strand). Cytogenetic location: 8q21.3.
Variant type: single nucleotide variant.
Coding change: c.1108G>A on transcript NM_002485.5 (MANE Select); coding-DNA position 1108, G replaced by A.
Protein change: p.Glu370Lys; replaces glutamic acid 370 with lysine.
Molecular consequence: missense variant.
Genome position (GRCh38, 1-based): chr8:89,958,741, C>T on the plus strand (G>A on the coding strand, the complement: NBN is on the minus strand). VCF-style: chr8-89958741-C-T. GRCh37 (hg19) VCF-style: chr8-90970969-C-T.
Other names: c.862G>A, p.Glu288Lys (NM_001024688.3); short protein forms E288K, E370K.
Identifiers: ClinVar variation 2003167 (VCV002003167.4), dbSNP rs2129744648, ClinGen allele CA371656595.